The following is an entry in ClinVar:

ClinVar aggregate classification (germline): Uncertain significance (1 of 4 stars; one submission).

Conditions:
Hereditary cancer-predisposing syndrome. Also called: Neoplastic Syndromes, Hereditary; Hereditary Cancer Syndrome; Hereditary neoplastic syndrome; Tumor predisposition. Identifiers: Orphanet 140162, MedGen C0027672, MeSH D009386, MONDO:0015356.

Submission:

Ambry Genetics
Classification: Uncertain significance for Hereditary cancer-predisposing syndrome. Last evaluated: 2023-05-18. Review status: criteria provided, single submitter. Criteria: Ambry Variant Classification Scheme 2023. Collection method: clinical testing. Allele origin: germline.
Comment: The p.M1782T variant (also known as c.5345T>C), located in coding exon 23 of the DICER1 gene, results from a T to C substitution at nucleotide position 5345. The methionine at codon 1782 is replaced by threonine, an amino acid with similar properties. This amino acid position is conserved. In addition, this alteration is predicted to be deleterious by in silico analysis. Since supporting evidence is limited at this time, the clinical significance of this alteration remains unclear.

NM_177438.3(DICER1):c.5345T>C (p.Met1782Thr)

Gene: DICER1 (dicer 1, ribonuclease III; minus strand). Cytogenetic location: 14q32.13.
Variant type: single nucleotide variant.
Coding change: c.5345T>C on transcript NM_177438.3 (MANE Select); coding-DNA position 5345, T replaced by C.
Protein change: p.Met1782Thr; replaces methionine 1782 with threonine.
Molecular consequence: missense variant. On other transcripts: non-coding transcript variant (6).
Genome position (GRCh38, 1-based): chr14:95,093,907, A>G on the plus strand (T>C on the coding strand, the complement: DICER1 is on the minus strand). VCF-style: chr14-95093907-A-G. GRCh37 (hg19) VCF-style: chr14-95560244-A-G.
Other names: c.5345T>C, p.Met1782Thr (NM_001195573.1, NM_001271282.3, NM_001291628.2 and 9 more transcripts); c.5063T>C, p.Met1688Thr (NM_001395686.1); c.4940T>C, p.Met1647Thr (NM_001395687.1, NM_001395688.1, NM_001395689.1 and 1 more transcripts); c.4778T>C, p.Met1593Thr (NM_001395691.1); c.3662T>C, p.Met1221Thr (NM_001395697.1); short protein forms M1593T, M1221T, M1688T, M1782T, M1647T.
Identifiers: ClinVar variation 2566203 (VCV002566203.2), dbSNP rs2542438696, ClinGen allele CA390864892.